The following is an entry in ClinVar:

ClinVar aggregate classification (germline): Likely benign. Review status: criteria provided, multiple submitters, no conflicts (2 of 4 stars). 2 submissions from 2 submitters: Likely benign (2). Last evaluated 2025-02-22.

Conditions:
RP1-related disorder. Also called: RP1-related condition.

Allele frequency attached by ClinVar (database versions not stated): gnomAD exomes 0.00002; TOPMed 0.00002; ExAC 0.00003.
gnomAD v4.1: 108 of 1,613,432 alleles (0.0067%); highest among the groups gnomAD compares: Middle Eastern, 0.033%; no homozygotes.

Submissions (2):

PreventionGenetics, part of Exact Sciences
Classification: Likely benign for RP1-related condition. Last evaluated: 2025-02-22. Review status: criteria provided, single submitter. Criteria: ACMG Guidelines, 2015. Collection method: clinical testing. Allele origin: germline.
Comment: This variant is classified as likely benign based on ACMG/AMP sequence variant interpretation guidelines (Richards et al. 2015 PMID: 25741868, with internal and published modifications).

Labcorp Genetics (formerly Invitae), Labcorp
Classification: Likely benign. Last evaluated: 2023-10-30. Review status: criteria provided, single submitter. Criteria: Invitae Variant Classification Sherloc (09022015). Collection method: clinical testing. Allele origin: germline.

NM_006269.2(RP1):c.2496T>C (p.Asp832=)

Gene: RP1 (RP1 axonemal microtubule associated; plus strand). Cytogenetic location: 8q12.1.
Variant type: single nucleotide variant.
Coding change: c.2496T>C on transcript NM_006269.2 (MANE Select); coding-DNA position 2496, T replaced by C.
Protein change: p.Asp832=; no amino-acid change (aspartic acid 832 retained).
Molecular consequence: synonymous variant. On other transcripts: intron variant (1).
Genome position (GRCh38, 1-based): chr8:54,626,378, T>C. VCF-style: chr8-54626378-T-C. GRCh37 (hg19) VCF-style: chr8-55538938-T-C.
Other names: c.2496T>C (NM_006269.1); c.787+4090T>C (NM_001375654.1).
Identifiers: ClinVar variation 1088601 (VCV001088601.11), dbSNP rs751925476, ClinGen allele CA4751547.
Genomic context (GRCh38, chr8:54,626,378, plus strand): 5'-TACTTTTGAAAACAAAAGTTTATTTCATGTATTTAACATCCTTGAGCAAAAACCCAAAGA[T>C]TTTTATGCACCGCAATCTCAAGCAGAAGTGGCATCTGGGTATTTGAGAGGAATGGCAAAG-3'
Protein context (NP_006260.1, residues 822-842): VFNILEQKPK[Asp832=]FYAPQSQAEV